The following is an entry in ClinVar:

ClinVar aggregate classification (germline): Uncertain significance (1 of 4 stars; one submission).

Conditions:
Joubert syndrome. Also called: CEREBELLOPARENCHYMAL DISORDER IV; JOUBERT-BOLTSHAUSER SYNDROME; Familial aplasia of the vermis. Identifiers: Orphanet 475, MedGen C5979921, MONDO:0018772.
Meckel-Gruber syndrome. Also called: DYSENCEPHALIA SPLANCHNOCYSTICA; GRUBER SYNDROME; Dysencephalia splachnocystica. Identifiers: Orphanet 564, MedGen C0265215, MONDO:0018921.

Allele frequency attached by ClinVar (database versions not stated): gnomAD exomes below 0.00001.
gnomAD v4.1: 1 of 1,614,170 alleles (0.000062%); highest among the groups gnomAD compares: South Asian, 0.0011%; no homozygotes.

Submission:

Labcorp Genetics (formerly Invitae), Labcorp
Classification: Uncertain significance for Joubert syndrome; Meckel-Gruber syndrome. Last evaluated: 2022-03-19. Review status: criteria provided, single submitter. Criteria: Invitae Variant Classification Sherloc (09022015). Collection method: clinical testing. Allele origin: germline.
Comment: This sequence change replaces lysine, which is basic and polar, with arginine, which is basic and polar, at codon 90 of the TCTN2 protein (p.Lys90Arg). This variant is not present in population databases (gnomAD no frequency). This variant has not been reported in the literature in individuals affected with TCTN2-related conditions. Algorithms developed to predict the effect of missense changes on protein structure and function (SIFT, PolyPhen-2, Align-GVGD) all suggest that this variant is likely to be tolerated. Algorithms developed to predict the effect of sequence changes on RNA splicing suggest that this variant may disrupt the consensus splice site. In summary, the available evidence is currently insufficient to determine the role of this variant in disease. Therefore, it has been classified as a Variant of Uncertain Significance.

NM_024809.5(TCTN2):c.269A>G (p.Lys90Arg)

Gene: TCTN2 (tectonic family member 2; plus strand). Cytogenetic location: 12q24.31.
Variant type: single nucleotide variant.
Coding change: c.269A>G on transcript NM_024809.5 (MANE Select); coding-DNA position 269, A replaced by G.
Protein change: p.Lys90Arg; replaces lysine 90 with arginine.
Molecular consequence: missense variant. On other transcripts: splice acceptor variant (1).
Genome position (GRCh38, 1-based): chr12:123,673,616, A>G. VCF-style: chr12-123673616-A-G. GRCh37 (hg19) VCF-style: chr12-124158163-A-G.
Other names: c.269A>G, p.Lys90Arg (NM_001410989.1); c.268-2A>G (NM_001143850.3); short protein forms K90R.
Identifiers: ClinVar variation 1384989 (VCV001384989.6), dbSNP rs879080073, ClinGen allele CA245184780.
Genomic context (GRCh38, chr12:123,673,616, plus strand): 5'-GTATTCTTATAGACCCTGTTTTGAGTCACTTTAAAAATACAGCAATGTTTTCCTTTCAGA[A>G]GGTGTTGGAAGTGACAGTGAGGTGGAAGAGAGGTCTGGACTGGTGTTCCTCCAATGAGAC-3'
Protein context (NP_079085.2, residues 80-100): DWSVTVIPGA[Lys90Arg]VLEVTVRWKR